The following is an entry in ClinVar:

ClinVar aggregate classification (germline): Pathogenic/Likely pathogenic. Review status: criteria provided, multiple submitters, no conflicts (2 of 4 stars). 2 submissions from 2 submitters: Pathogenic (1); Likely pathogenic (1). Last evaluated 2025-10-01.

Conditions:
Retinitis pigmentosa 25 (RP25). Identifiers: Orphanet 791, MedGen C1864446, MONDO:0011272, OMIM 602772.

Submissions (2):

Natera, Inc.
Classification: Likely pathogenic for Retinitis pigmentosa type 25. Last evaluated: 2025-10-01. Review status: criteria provided, single submitter. Criteria: Natera Variant Classification Schema (03/2026). Collection method: clinical testing. Allele origin: germline.
Comment: The c.6170delA variant in EYS is a frameshift variant predicted to shift the reading frame beginning at codon 2057 and leads to a stop codon 26 codons downstream. This variant is expected to result in nonsense mediated decay, truncation, or a dysfunctional protein product. This variant is rare in the general population with a frequency below the threshold expected for the associated phenotype(s). Given the available evidence, this variant is classified as Likely Pathogenic.

Labcorp Genetics (formerly Invitae), Labcorp
Classification: Pathogenic. Last evaluated: 2022-06-03. Review status: criteria provided, single submitter. Criteria: Invitae Variant Classification Sherloc (09022015). Collection method: clinical testing. Allele origin: germline.
Comment: This sequence change creates a premature translational stop signal (p.Asn2057Thrfs*26) in the EYS gene. It is expected to result in an absent or disrupted protein product. Loss-of-function variants in EYS are known to be pathogenic (PMID: 18836446, 20333770). This variant is not present in population databases (gnomAD no frequency). This variant has not been reported in the literature in individuals affected with EYS-related conditions. ClinVar contains an entry for this variant (Variation ID: 938451). For these reasons, this variant has been classified as Pathogenic.

Literature cited by the submitters: PubMed 18836446 (cited by Labcorp Genetics (formerly Invitae), Labcorp); PubMed 20333770 (cited by Labcorp Genetics (formerly Invitae), Labcorp).

NM_001142800.2(EYS):c.6170del (p.Asn2057fs)

Gene: EYS (EGF-like photoreceptor maintenance factor; minus strand). Cytogenetic location: 6q12.
Variant type: Deletion.
Coding change: c.6170del on transcript NM_001142800.2 (MANE Select); coding-DNA position 6170, one base deleted (A; older notation c.6170delA).
Protein change: p.Asn2057fs; shifts the reading frame from asparagine 2057.
Molecular consequence: frameshift variant.
Genome position (GRCh38, 1-based): chr6:64,306,991, T deleted on the plus strand (A on the coding strand, the reverse complement: EYS is on the minus strand); the first of 5 consecutive T bases (chr6:64,306,991-64,306,995); deleting any one gives the same sequence. VCF-style (leftmost placement, unchanged base first): chr6-64306990-GT-G. GRCh37 (hg19) VCF-style: chr6-65016883-GT-G.
Other names: c.6170del, p.Asn2057fs (NM_001292009.2); c.6170delA (NM_001142800.1); short protein forms N2057fs.
Identifiers: ClinVar variation 938451 (VCV000938451.8), dbSNP rs1769471435, ClinGen allele CA1139659650.
Genomic context (GRCh38, chr6:64,306,990, plus strand): 5'-TTTGAACAAGTTATTAGAAAAATCACTACTGCTATTTTACCTGCAATTGTTAATGTGATA[GT>G]TTTTCACTGCCTTGGATGGAATGAAAGATCTCCAGTTATTTATTTCTATAACTTCTATGC-3'